The following is an entry in ClinVar:

NM_001145434.2(ZNF880):c.1209G>T (p.Thr403=)

Gene: ZNF880 (zinc finger protein 880; plus strand). Cytogenetic location: 19q13.41.
Variant type: single nucleotide variant.
Coding change: c.1209G>T on transcript NM_001145434.2 (MANE Select); coding-DNA position 1209, G replaced by T.
Protein change: p.Thr403=; no amino-acid change (threonine 403 retained).
Molecular consequence: synonymous variant.
Genome position (GRCh38, 1-based): chr19:52,384,789, G>T. VCF-style: chr19-52384789-G-T. GRCh37 (hg19) VCF-style: chr19-52888042-G-T.
Identifiers: ClinVar variation 2650392 (VCV002650392.24), dbSNP rs75507701, ClinGen allele CA9623174.

ClinVar aggregate classification (germline): Likely benign (1 of 4 stars; one submission).

Allele frequency attached by ClinVar (database versions not stated): ExAC 0.00660.

Submission:

CeGaT Center for Human Genetics Tuebingen
Classification: Likely benign. Last evaluated: 2024-04-01. Review status: criteria provided, single submitter. Criteria: CeGaT Center For Human Genetics Tuebingen Variant Classification Criteria Version 2. Collection method: clinical testing. Allele origin: germline. Affected: yes. Observed: 2 variant alleles.
Comment: ZNF880: BP4, BP7